The following is an entry in ClinVar:

ClinVar aggregate classification (germline): Likely benign. Review status: criteria provided, multiple submitters, no conflicts (2 of 4 stars). 6 submissions from 6 submitters: Likely benign (6). Last evaluated 2025-04-09.

Conditions:
Hypertrophic cardiomyopathy. Also called: HYPERTROPHIC MYOCARDIOPATHY. Identifiers: Orphanet 217569, MedGen C0007194, MeSH D002312, MONDO:0005045, HP:0001639.
Cardiomyopathy (CMYO). Also called: Cardiomyopathies. Identifiers: Orphanet 167848, MedGen C0878544, MONDO:0004994, HP:0001638. Inheritance: Various modes of inheritance.
Cardiovascular phenotype. Identifiers: MedGen CN230736.

Allele frequency attached by ClinVar (database versions not stated): gnomAD exomes below 0.00001; TOPMed below 0.00001; gnomAD 0.00001.
gnomAD v4.1: 9 of 1,613,948 alleles (0.00056%); highest among the groups gnomAD compares: African/African-American, 0.0027%; no homozygotes.

Submissions (6):

Molecular Diagnostic Laboratory for Inherited Cardiovascular Disease, Montreal Heart Institute
Classification: Likely benign. Last evaluated: 2025-04-09. Review status: criteria provided, single submitter. Criteria: ACMG Guidelines, 2015. Collection method: clinical testing. Allele origin: germline. Affected: no.

Labcorp Genetics (formerly Invitae), Labcorp
Classification: Likely benign for Hypertrophic cardiomyopathy. Last evaluated: 2024-05-14. Review status: criteria provided, single submitter. Criteria: Invitae Variant Classification Sherloc (09022015). Collection method: clinical testing. Allele origin: germline.

All of Us Research Program, National Institutes of Health
Classification: Likely benign for Cardiomyopathy. Last evaluated: 2024-04-16. Review status: criteria provided, single submitter. Criteria: ACMG Guidelines, 2015. Collection method: clinical testing. Allele origin: germline. Inheritance: Autosomal dominant inheritance. Observed: 2 variant alleles, 2 heterozygotes.
Comment: This study involves interpretation of variants in research participants for the purpose of population health screening. Participant phenotype was not available at the time of variant classification. Additional details can be found in publication PMID: 35346344, PMCID: PMC8962531

Ambry Genetics
Classification: Likely benign for Cardiovascular phenotype. Last evaluated: 2023-09-30. Review status: criteria provided, single submitter. Criteria: Ambry Variant Classification Scheme 2023. Collection method: clinical testing. Allele origin: germline.

GeneDx
Classification: Likely benign. Last evaluated: 2019-01-18. Review status: criteria provided, single submitter. Criteria: GeneDx Variant Classification Process June 2021. Collection method: clinical testing. Allele origin: germline. Affected: yes.

Color Diagnostics, LLC DBA Color Health
Classification: Likely benign for Cardiomyopathy. Last evaluated: 2018-08-12. Review status: criteria provided, single submitter. Criteria: ACMG Guidelines, 2015. Collection method: clinical testing. Allele origin: germline.

NM_000257.4(MYH7):c.4041C>T (p.Tyr1347=)

Gene: MYH7 (myosin heavy chain 7; minus strand). Cytogenetic location: 14q11.2.
Variant type: single nucleotide variant.
Coding change: c.4041C>T on transcript NM_000257.4 (MANE Select); coding-DNA position 4041, C replaced by T.
Protein change: p.Tyr1347=; no amino-acid change (tyrosine 1347 retained).
Molecular consequence: synonymous variant.
Genome position (GRCh38, 1-based): chr14:23,418,338, G>A on the plus strand (C>T on the coding strand, the complement: MYH7 is on the minus strand). VCF-style: chr14-23418338-G-A. GRCh37 (hg19) VCF-style: chr14-23887547-G-A.
Identifiers: ClinVar variation 629032 (VCV000629032.15), dbSNP rs1199930760, ClinGen allele CA485618592.
Genomic context (GRCh38, chr14:23,418,338, plus strand): 5'-CTCCGAGTTGGCCTTGGAAAGGACGCGCTGCAGCTCGGCCTTGGCCTCCGTCTCCTCCTC[G>A]TACTGCTCCCGCAGCAGGTCGCAGTCATGCCGGGCCGACTGCAGTGCGTGGGCCAGGGCG-3'
Protein context (NP_000248.2, residues 1337-1357): RHDCDLLREQ[Tyr1347=]EEETEAKAEL